The following is an entry in ClinVar:

ClinVar aggregate classification (germline): Uncertain significance (1 of 4 stars; one submission).

Conditions:
Fanconi anemia (FA). Also called: Fanconi's anemia. Identifiers: Orphanet 84, MedGen C0015625, MeSH D005199, MONDO:0019391.

Submission:

Labcorp Genetics (formerly Invitae), Labcorp
Classification: Uncertain significance for Fanconi anemia. Last evaluated: 2023-04-28. Review status: criteria provided, single submitter. Criteria: Invitae Variant Classification Sherloc (09022015). Collection method: clinical testing. Allele origin: germline.
Comment: In summary, the available evidence is currently insufficient to determine the role of this variant in disease. Therefore, it has been classified as a Variant of Uncertain Significance. Advanced modeling of protein sequence and biophysical properties (such as structural, functional, and spatial information, amino acid conservation, physicochemical variation, residue mobility, and thermodynamic stability) performed at Invitae indicates that this missense variant is not expected to disrupt FANCB protein function. This variant has not been reported in the literature in individuals affected with FANCB-related conditions. This variant is not present in population databases (gnomAD no frequency). This sequence change replaces methionine, which is neutral and non-polar, with leucine, which is neutral and non-polar, at codon 130 of the FANCB protein (p.Met130Leu).

NM_001018113.3(FANCB):c.388A>T (p.Met130Leu)

Gene: FANCB (FA complementation group B; minus strand). Cytogenetic location: Xp22.2.
Variant type: single nucleotide variant.
Coding change: c.388A>T on transcript NM_001018113.3 (MANE Select); coding-DNA position 388, A replaced by T.
Protein change: p.Met130Leu; replaces methionine 130 with leucine.
Molecular consequence: missense variant.
Genome position (GRCh38, 1-based): chrX:14,865,123, T>A on the plus strand (A>T on the coding strand, the complement: FANCB is on the minus strand). VCF-style: chrX-14865123-T-A. GRCh37 (hg19) VCF-style: chrX-14883245-T-A.
Other names: c.388A>T, p.Met130Leu (NM_001324162.2, NM_001410764.1, NM_152633.4); short protein forms M130L.
Identifiers: ClinVar variation 2905146 (VCV002905146.3), dbSNP rs776724055, ClinGen allele CA412444617.